The following is an entry in ClinVar:

NM_000202.8(IDS):c.328A>G (p.Arg110Gly)

Gene: IDS (iduronate 2-sulfatase; minus strand). Cytogenetic location: Xq28.
Variant type: single nucleotide variant.
Coding change: c.328A>G on transcript NM_000202.8 (MANE Select); coding-DNA position 328, A replaced by G.
Protein change: p.Arg110Gly; replaces arginine 110 with glycine.
Molecular consequence: missense variant. On other transcripts: non-coding transcript variant (1).
Genome position (GRCh38, 1-based): chrX:149,503,402, T>C on the plus strand (A>G on the coding strand, the complement: IDS is on the minus strand). VCF-style: chrX-149503402-T-C. GRCh37 (hg19) VCF-style: chrX-148584932-T-C.
Other names: c.58A>G, p.Arg20Gly (NM_001166550.4); c.328A>G, p.Arg110Gly (NM_006123.5); c.328A>G (NM_000202.4); short protein forms R110G, R20G.
Identifiers: ClinVar variation 1067177 (VCV001067177.10), dbSNP rs2124063287, ClinGen allele CA414526288.
Genomic context (GRCh38, chrX:149,503,402, plus strand): 5'-TCACATAGCCATTCTCCTTGAAGTACTGGGGGATGGTGGAGAAGTTTCCAGCGTGCACCC[T>C]CCAGTAGGAGTTGAAGTCGTACAGGCGGGTGGTGTCAGGTCTCCTGCCAGTGAGGAAAGA-3'
Protein context (NP_000193.1, residues 100-120): TRLYDFNSYW[Arg110Gly]VHAGNFSTIP

ClinVar aggregate classification (germline): Pathogenic/Likely pathogenic. Review status: criteria provided, multiple submitters, no conflicts (2 of 4 stars). 3 submissions from 3 submitters: Pathogenic (1); Likely pathogenic (2). Last evaluated 2024-06-07.

Conditions:
Mucopolysaccharidosis, MPS-II (MPS2). Also called: Attenuated MPS (subtype; formerly known as mild MPS II); Severe MPS II; I2S deficiency; MPS 2; Hunter Syndrome; IDURONATE 2-SULFATASE DEFICIENCY. Identifiers: Orphanet 580, Orphanet 79388, MedGen C0026705, MONDO:0010674, OMIM 309900.

Submissions (3):

Laboratory of Diagnosis and Therapy of Lysosomal Disorders, University of Padova
Classification: Pathogenic for Mucopolysaccharidosis, MPS-II. Last evaluated: 2024-06-07. Review status: criteria provided, single submitter. Criteria: ACMG Guidelines, 2015. Collection method: literature only. Allele origin: germline. Affected: yes. Observed: 1 variant allele.
Comment: In vitro or in vivo functional studies supportive of a damaging effect (PS3_Strong), Absent from controls (or at low frequency) in gnomAD database (PM2_Moderate), Missense variant in a gene with a low rate of benign missense variation (PP2_Supporting), Multiple lines of computational evidence support a deleterious effect (PP3_Supporting), Patient’s phenotype or family history highly specific for the disease (PP4_Strong)

Classification method: ACMG Guidelines [PMID:25741868] with modifications

GeneDx
Classification: Likely pathogenic. Last evaluated: 2023-10-17. Review status: criteria provided, single submitter. Criteria: GeneDx Variant Classification Process June 2021. Collection method: clinical testing. Allele origin: germline. Affected: yes.
Comment: Published functional studies demonstrate a damaging significant effect on activity and expression in vitro (Zhang et al., 2019); Previously reported in an individual with mucopolysaccharidosis type II, with neurologic involvement, in the published literature (Zhang et al., 2019); Not observed at significant frequency in large population cohorts (gnomAD); In silico analysis supports that this missense variant has a deleterious effect on protein structure/function; This variant is associated with the following publications: (PMID: 27246110, 30639582)

Labcorp Genetics (formerly Invitae), Labcorp
Classification: Likely pathogenic for Mucopolysaccharidosis, MPS-II. Last evaluated: 2021-09-24. Review status: criteria provided, single submitter. Criteria: Invitae Variant Classification Sherloc (09022015). Collection method: clinical testing. Allele origin: germline.
Comment: This sequence change replaces arginine with glycine at codon 110 of the IDS protein (p.Arg110Gly). The arginine residue is highly conserved and there is a moderate physicochemical difference between arginine and glycine. This variant is not present in population databases (ExAC no frequency). This missense change has been observed in individual(s) with mucopolysaccharidosis II (PMID: 30639582; Invitae). Algorithms developed to predict the effect of missense changes on protein structure and function (SIFT, PolyPhen-2, Align-GVGD) all suggest that this variant is likely to be disruptive. Experimental studies have shown that this missense change affects IDS protein function (PMID: 30639582). This variant disrupts the p.Arg110 amino acid residue in IDS. Other variant(s) that disrupt this residue have been observed in individuals with IDS-related conditions (PMID: 27246110), which suggests that this may be a clinically significant amino acid residue. In summary, the currently available evidence indicates that the variant is pathogenic, but additional data are needed to prove that conclusively. Therefore, this variant has been classified as Likely Pathogenic.

Literature cited by the submitters: PubMed 30639582 (cited by Laboratory of Diagnosis and Therapy of Lysosomal Disorders, University of Padova and Labcorp Genetics (formerly Invitae), Labcorp); PubMed 27246110 (cited by Labcorp Genetics (formerly Invitae), Labcorp).